The following is an entry in ClinVar:

ClinVar aggregate classification (germline): Pathogenic (1 of 4 stars; one submission).

Submission:

Labcorp Genetics (formerly Invitae), Labcorp
Classification: Pathogenic. Last evaluated: 2020-01-05. Review status: criteria provided, single submitter. Criteria: Invitae Variant Classification Sherloc (09022015). Collection method: clinical testing. Allele origin: germline.
Comment: For these reasons, this variant has been classified as Pathogenic. Loss-of-function variants in GALNT3 are known to be pathogenic (PMID: 15133511, 20358599). This variant has not been reported in the literature in individuals with GALNT3-related conditions. This variant is not present in population databases (ExAC no frequency). This sequence change creates a premature translational stop signal (p.Val302Glnfs*6) in the GALNT3 gene. It is expected to result in an absent or disrupted protein product.

Literature cited by the submitters: PubMed 15133511; PubMed 20358599.

NM_004482.4(GALNT3):c.904_910del (p.Val302fs)

Gene: GALNT3 (polypeptide N-acetylgalactosaminyltransferase 3; minus strand). Cytogenetic location: 2q24.3.
Variant type: Deletion.
Coding change: c.904_910del on transcript NM_004482.4 (MANE Select); coding-DNA positions 904 to 910, 7 bases deleted (GTAAGTC; older notation c.904_910delGTAAGTC).
Protein change: p.Val302fs; shifts the reading frame from valine 302.
Molecular consequence: frameshift variant.
Genome position (GRCh38, 1-based): chr2:165,759,499-165,759,505, GACTTAC deleted on the plus strand (GTAAGTC on the coding strand, the reverse complement: GALNT3 is on the minus strand); deleting any 7 consecutive bases within chr2:165,759,499-165,759,508 gives the same sequence; the c. name uses the placement nearest the transcript's 3' end. VCF-style (leftmost placement, unchanged base first): chr2-165759498-GGACTTAC-G. GRCh37 (hg19) VCF-style: chr2-166616008-GGACTTAC-G.
Other names: short protein forms V302fs.
Identifiers: ClinVar variation 1074982 (VCV001074982.7), dbSNP rs2105407560, ClinGen allele CA2499215168.